The following is an entry in ClinVar:

NM_001040108.2(MLH3):c.406G>C (p.Asp136His)

Gene: MLH3 (mutL homolog 3; minus strand). Cytogenetic location: 14q24.3.
Variant type: single nucleotide variant.
Coding change: c.406G>C on transcript NM_001040108.2 (MANE Select); coding-DNA position 406, G replaced by C.
Protein change: p.Asp136His; replaces aspartic acid 136 with histidine.
Molecular consequence: missense variant.
Genome position (GRCh38, 1-based): chr14:75,049,250, C>G on the plus strand (G>C on the coding strand, the complement: MLH3 is on the minus strand). VCF-style: chr14-75049250-C-G. GRCh37 (hg19) VCF-style: chr14-75515953-C-G.
Other names: c.406G>C, p.Asp136His (NM_014381.3); short protein forms D136H.
Identifiers: ClinVar variation 4860196 (VCV004860196.1).

ClinVar aggregate classification (germline): Uncertain significance (1 of 4 stars; one submission).

Submission:

Ambry Genetics
Classification: Uncertain significance. Last evaluated: 2026-05-14. Review status: criteria provided, single submitter. Criteria: Ambry Variant Classification Scheme 2023. Collection method: clinical testing. Allele origin: germline.
Comment: The p.D136H variant (also known as c.406G>C), located in coding exon 1 of the MLH3 gene, results from a G to C substitution at nucleotide position 406. The aspartic acid at codon 136 is replaced by histidine, an amino acid with similar properties. This amino acid position is conserved. In addition, this alteration is predicted to be tolerated by in silico analysis. Based on the available evidence, the clinical significance of this variant remains unclear.